The following is an entry in ClinVar:

NM_001009944.3(PKD1):c.4753del (p.Cys1585fs)

Gene: PKD1 (polycystin 1, transient receptor potential channel interacting; minus strand). Cytogenetic location: 16p13.3.
Variant type: Deletion.
Coding change: c.4753del on transcript NM_001009944.3 (MANE Select); coding-DNA position 4753, one base deleted (T; older notation c.4753delT).
Protein change: p.Cys1585fs; shifts the reading frame from cysteine 1585.
Molecular consequence: frameshift variant.
Genome position (GRCh38, 1-based): chr16:2,110,414, A deleted on the plus strand (T on the coding strand, the reverse complement: PKD1 is on the minus strand). VCF-style (leftmost placement, unchanged base first): chr16-2110413-CA-C. GRCh37 (hg19) VCF-style: chr16-2160414-CA-C.
Other names: c.4753del, p.Cys1585fs (NM_000296.4); short protein forms C1585fs.
Identifiers: ClinVar variation 3256624 (VCV003256624.2).

ClinVar aggregate classification (germline): Pathogenic. Review status: criteria provided, multiple submitters, no conflicts (2 of 4 stars). 2 submissions from 2 submitters: Pathogenic (2). Last evaluated 2025-08-25.

Conditions:
Polycystic kidney disease, adult type (PKD1). Also called: Polycystic Kidney Disease 1, Autosomal Dominant; Polycystic kidney disease 1; Polycystic kidney disease 1, severe; POLYCYSTIC KIDNEY DISEASE, ADULT, TYPE I; Polycystic Kidney, Autosomal Dominant; POLYCYSTIC KIDNEY DISEASE 1 WITH OR WITHOUT POLYCYSTIC LIVER DISEASE. Identifiers: MedGen C3149841, MONDO:0008263, OMIM 173900.

Submissions (2):

Institute of Human Genetics, University of Leipzig Medical Center
Classification: Pathogenic for Polycystic kidney disease, adult type. Last evaluated: 2025-08-25. Review status: criteria provided, single submitter. Criteria: ACMG Guidelines, 2015. Collection method: clinical testing. Allele origin: unknown. Inheritance: Autosomal dominant inheritance. Affected: yes.
Comment: Criteria applied: PVS1,PM2,PS4_SUP

MVZ Medizinische Genetik Mainz
Classification: Pathogenic for Polycystic kidney disease, adult type. Last evaluated: 2024-04-11. Review status: criteria provided, single submitter. Criteria: UK Practice Guidelines For Variant Classification V4 01 2020. Collection method: clinical testing. Allele origin: germline. Inheritance: Autosomal dominant inheritance. Affected: yes. Observed: 1 variant allele.
Comment: ACMG Criteria: PVS1,PM2_SUP,PP4